The following is an entry in ClinVar:

ClinVar aggregate classification (germline): Likely benign (0 of 4 stars; one submission).

Conditions:
ITGA3-related disorder. Also called: ITGA3-related condition.

Allele frequency attached by ClinVar (database versions not stated): gnomAD exomes below 0.00001; TOPMed 0.00001; gnomAD 0.00003.
gnomAD v4.1: 7 of 1,612,378 alleles (0.00043%); highest among the groups gnomAD compares: African/African-American, 0.008%; no homozygotes.

Submission:

PreventionGenetics, part of Exact Sciences
Classification: Likely benign for ITGA3-related condition. Last evaluated: 2020-07-14. Review status: no assertion criteria provided. Collection method: clinical testing. Allele origin: germline.
Comment: This variant is classified as likely benign based on ACMG/AMP sequence variant interpretation guidelines (Richards et al. 2015 PMID: 25741868, with internal and published modifications).

NM_002204.4(ITGA3):c.1455C>T (p.Cys485=)

Gene: ITGA3 (integrin subunit alpha 3; plus strand). Cytogenetic location: 17q21.33.
Variant type: single nucleotide variant.
Coding change: c.1455C>T on transcript NM_002204.4 (MANE Select); coding-DNA position 1455, C replaced by T.
Protein change: p.Cys485=; no amino-acid change (cysteine 485 retained).
Molecular consequence: synonymous variant.
Genome position (GRCh38, 1-based): chr17:50,074,520, C>T. VCF-style: chr17-50074520-C-T. GRCh37 (hg19) VCF-style: chr17-48151884-C-T.
Identifiers: ClinVar variation 3036991 (VCV003036991.2), dbSNP rs1359600149, ClinGen allele CA500826074.